The following is an entry in ClinVar:

NM_007294.4(BRCA1):c.3864A>T (p.Glu1288Asp)

Genes: BRCA1 (BRCA1 DNA repair associated; minus strand), LOC126862571 (BRD4-independent group 4 enhancer GRCh37_chr17:41243136-41244335; plus strand). Cytogenetic location: 17q21.31.
Variant type: single nucleotide variant.
Coding change: c.3864A>T on transcript NM_007294.4 (MANE Select); coding-DNA position 3864, A replaced by T.
Protein change: p.Glu1288Asp; replaces glutamic acid 1288 with aspartic acid.
Molecular consequence: missense variant. On other transcripts: intron variant (135).
Genome position (GRCh38, 1-based): chr17:43,091,667, T>A on the plus strand (A>T on the coding strand, the complement: BRCA1 is on the minus strand). VCF-style: chr17-43091667-T-A. GRCh37 (hg19) VCF-style: chr17-41243684-T-A.
Other names: c.665-635A>T (NM_001408443.1, NM_001408439.1, NM_001408425.1 and 12 more transcripts); c.3864A>T, p.Glu1288Asp (NM_001407585.1, NM_001407593.1, NM_001407594.1 and 30 more transcripts); c.3861A>T, p.Glu1287Asp (NM_001407587.1, NM_001407590.1, NM_001407591.1 and 22 more transcripts); c.671-635A>T (NM_001408419.1, NM_001408422.1, NM_001408418.1 and 2 more transcripts); c.788-635A>T (NM_001408403.1, NM_001407983.1, NM_001407975.1 and 17 more transcripts); c.791-644A>T (NM_001408406.1); c.647-635A>T (NM_001408456.1, NM_001408410.1, NM_001408458.1 and 11 more transcripts); c.644-635A>T (NM_001408465.1, NM_001408463.1, NM_001408462.1 and 3 more transcripts); and 41 more; short protein forms E1161D, E1218D, E1220D, E1240D, E1217D, E1221D, E1241D, E1285D.
Identifiers: ClinVar variation 3634643 (VCV003634643.2).
Genomic context (GRCh38, chr17:43,091,667, plus strand): 5'-TGCAGTCAAGTCTTCCAATTCACTGCACTGTGAAGAAAACAAGCTAGCAGAACATTTTGT[T>A]TCCTCACTAAGGTGATGTTCCTGAGATGCCTTTGCCAATATTACCTGGTTACTGCAGTCA-3'
Protein context (NP_009225.1, residues 1278-1298): KASQEHHLSE[Glu1288Asp]TKCSASLFSS

ClinVar aggregate classification (germline): Uncertain significance (1 of 4 stars; one submission).

Conditions:
Hereditary breast ovarian cancer syndrome. Also called: Hereditary breast and ovarian cancer syndrome; Hereditary breast and ovarian cancer syndrome (HBOC); BRCA1- and BRCA2-Associated Hereditary Breast and Ovarian Cancer; Hereditary breast and ovarian cancer; Breast and ovarian cancer; Hereditary breast and/or ovarian cancer syndrome. Identifiers: Orphanet 145, MedGen C0677776, MeSH D061325, MONDO:0003582. Disease mechanism: loss of function.

Submission:

Labcorp Genetics (formerly Invitae), Labcorp
Classification: Uncertain significance for Hereditary breast ovarian cancer syndrome. Last evaluated: 2024-06-10. Review status: criteria provided, single submitter. Criteria: Invitae Variant Classification Sherloc (09022015). Collection method: clinical testing. Allele origin: germline.
Comment: This sequence change replaces glutamic acid, which is acidic and polar, with aspartic acid, which is acidic and polar, at codon 1288 of the BRCA1 protein (p.Glu1288Asp). This variant is not present in population databases (gnomAD no frequency). This variant has not been reported in the literature in individuals affected with BRCA1-related conditions. Advanced modeling of protein sequence and biophysical properties (such as structural, functional, and spatial information, amino acid conservation, physicochemical variation, residue mobility, and thermodynamic stability) performed at Invitae indicates that this missense variant is not expected to disrupt BRCA1 protein function with a negative predictive value of 95%. In summary, the available evidence is currently insufficient to determine the role of this variant in disease. Therefore, it has been classified as a Variant of Uncertain Significance.